The following is an entry in ClinVar:

ClinVar aggregate classification (germline): Uncertain significance (1 of 4 stars; one submission).

Conditions:
Early-infantile DEE. Also called: Ohtahara syndrome; Early infantile epileptic encephalopathy with suppression bursts; Early infantile epileptic encephalopathy. Identifiers: Orphanet 1934, MedGen C0393706, MONDO:0800491.

Allele frequency attached by ClinVar (database versions not stated): gnomAD 0.00001.
gnomAD v4.1: 1 of 1,614,024 alleles (0.000062%); highest among the groups gnomAD compares: Non-Finnish European, 0.000085%; no homozygotes.

Submission:

Labcorp Genetics (formerly Invitae), Labcorp
Classification: Uncertain significance for Early-infantile DEE. Last evaluated: 2024-02-29. Review status: criteria provided, single submitter. Criteria: Invitae Variant Classification Sherloc (09022015). Collection method: clinical testing. Allele origin: germline.
Comment: This sequence change replaces arginine, which is basic and polar, with serine, which is neutral and polar, at codon 1343 of the SPTAN1 protein (p.Arg1343Ser). This variant is not present in population databases (gnomAD no frequency). This variant has not been reported in the literature in individuals affected with SPTAN1-related conditions. ClinVar contains an entry for this variant (Variation ID: 1057398). Advanced modeling of protein sequence and biophysical properties (such as structural, functional, and spatial information, amino acid conservation, physicochemical variation, residue mobility, and thermodynamic stability) has been performed at Invitae for this missense variant, however the output from this modeling did not meet the statistical confidence thresholds required to predict the impact of this variant on SPTAN1 protein function. In summary, the available evidence is currently insufficient to determine the role of this variant in disease. Therefore, it has been classified as a Variant of Uncertain Significance.

NM_001130438.3(SPTAN1):c.4027C>A (p.Arg1343Ser)

Gene: SPTAN1 (spectrin alpha, non-erythrocytic 1; plus strand). Cytogenetic location: 9q34.11.
Variant type: single nucleotide variant.
Coding change: c.4027C>A on transcript NM_001130438.3 (MANE Select); coding-DNA position 4027, C replaced by A.
Protein change: p.Arg1343Ser; replaces arginine 1343 with serine.
Molecular consequence: missense variant.
Genome position (GRCh38, 1-based): chr9:128,605,458, C>A. VCF-style: chr9-128605458-C-A. GRCh37 (hg19) VCF-style: chr9-131367737-C-A.
Other names: c.3967C>A, p.Arg1323Ser (NM_001195532.2, NM_001363765.2, NM_001375314.2); c.4027C>A, p.Arg1343Ser (NM_001363759.2, NM_001375310.1, NM_001375311.2 and 2 more transcripts); c.4063C>A, p.Arg1355Ser (NM_001375312.2, NM_001375318.1); short protein forms R1323S, R1343S, R1355S.
Identifiers: ClinVar variation 1057398 (VCV001057398.10), dbSNP rs138827421, ClinGen allele CA375065419.
Genomic context (GRCh38, chr9:128,605,458, plus strand): 5'-AGCCTGGGGAAACGTGCAGATCAGCGCAAGGCAAAGTTGGGTGACTCCCACGACCTGCAG[C>A]GCTTCCTTAGCGATTTCCGGTACGGAGCCATGTTCACTCAGACTTCTGGAACATAGAGCC-3'
Protein context (NP_001123910.1, residues 1333-1353): AKLGDSHDLQ[Arg1343Ser]FLSDFRDLMS